The following is an entry in ClinVar:

NM_003873.7(NRP1):c.1836T>C (p.Ser612=)

Gene: NRP1 (neuropilin 1; minus strand). Cytogenetic location: 10p11.22.
Variant type: single nucleotide variant.
Coding change: c.1836T>C on transcript NM_003873.7 (MANE Select); coding-DNA position 1836, T replaced by C.
Protein change: p.Ser612=; no amino-acid change (serine 612 retained).
Molecular consequence: synonymous variant. On other transcripts: non-coding transcript variant (1), intron variant (1).
Genome position (GRCh38, 1-based): chr10:33,202,919, A>G on the plus strand (T>C on the coding strand, the complement: NRP1 is on the minus strand). VCF-style: chr10-33202919-A-G. GRCh37 (hg19) VCF-style: chr10-33491847-A-G.
Other names: c.1836T>C, p.Ser612= (NM_001024628.3, NM_001244972.2, NM_001244973.2 and 1 more transcripts); c.1759+4653T>C (NM_001024629.3).
Identifiers: ClinVar variation 4986826 (VCV004986826.1).

ClinVar aggregate classification (germline): Likely benign (1 of 4 stars; one submission).

Conditions:
NRP1-related disorder. Also called: NRP1-related condition.

gnomAD v4.1: 1 of 1,614,224 alleles (0.000062%); highest among the groups gnomAD compares: South Asian, 0.0011%; no homozygotes.

Submission:

PreventionGenetics, part of Exact Sciences
Classification: Likely benign for NRP1-related condition. Last evaluated: 2025-06-13. Review status: criteria provided, single submitter. Criteria: ACMG Guidelines, 2015. Collection method: clinical testing. Allele origin: germline.
Comment: This variant is classified as likely benign based on ACMG/AMP sequence variant interpretation guidelines (Richards et al. 2015 PMID: 25741868, with internal and published modifications).